The following is an entry in ClinVar:

NM_000069.3(CACNA1S):c.5424G>A (p.Met1808Ile)

Gene: CACNA1S (calcium voltage-gated channel subunit alpha1 S; minus strand). Cytogenetic location: 1q32.1.
Variant type: single nucleotide variant.
Coding change: c.5424G>A on transcript NM_000069.3 (MANE Select); coding-DNA position 5424, G replaced by A.
Protein change: p.Met1808Ile; replaces methionine 1808 with isoleucine.
Molecular consequence: missense variant.
Genome position (GRCh38, 1-based): chr1:201,040,029, C>T on the plus strand (G>A on the coding strand, the complement: CACNA1S is on the minus strand). VCF-style: chr1-201040029-C-T. GRCh37 (hg19) VCF-style: chr1-201009157-C-T.
Other names: short protein forms M1808I.
Identifiers: ClinVar variation 3753576 (VCV003753576.2).

ClinVar aggregate classification (germline): Uncertain significance (1 of 4 stars; one submission).

Conditions:
Hypokalemic periodic paralysis, type 1. Also called: HypoPP; Hypokalemic Periodic Paralysis Type 1 (AD). Identifiers: Orphanet 681, MedGen C3714580, MONDO:0042979, OMIM 170400.
Malignant hyperthermia, susceptibility to, 5 (MHS5). Also called: CACNA1S-Related Malignant Hyperthermia Susceptibility. Identifiers: Orphanet 423, MedGen C1866077, MONDO:0011163, OMIM 601887.

Submission:

Labcorp Genetics (formerly Invitae), Labcorp
Classification: Uncertain significance for Hypokalemic periodic paralysis, type 1; Malignant hyperthermia, susceptibility to, 5. Last evaluated: 2025-01-28. Review status: criteria provided, single submitter. Criteria: Invitae Variant Classification Sherloc (09022015). Collection method: clinical testing. Allele origin: germline.
Comment: This sequence change replaces methionine, which is neutral and non-polar, with isoleucine, which is neutral and non-polar, at codon 1808 of the CACNA1S protein (p.Met1808Ile). This variant is not present in population databases (gnomAD no frequency). This variant has not been reported in the literature in individuals affected with CACNA1S-related conditions. Invitae Evidence Modeling of protein sequence and biophysical properties (such as structural, functional, and spatial information, amino acid conservation, physicochemical variation, residue mobility, and thermodynamic stability) indicates that this missense variant is not expected to disrupt CACNA1S protein function with a negative predictive value of 95%. In summary, the available evidence is currently insufficient to determine the role of this variant in disease. Therefore, it has been classified as a Variant of Uncertain Significance.